The following is an entry in ClinVar:

NM_001191061.2(SLC25A22):c.488C>T (p.Pro163Leu)

Gene: SLC25A22 (solute carrier family 25 member 22; minus strand). Cytogenetic location: 11p15.5.
Variant type: single nucleotide variant.
Coding change: c.488C>T on transcript NM_001191061.2 (MANE Select); coding-DNA position 488, C replaced by T.
Protein change: p.Pro163Leu; replaces proline 163 with leucine.
Molecular consequence: missense variant.
Genome position (GRCh38, 1-based): chr11:792,652, G>A on the plus strand (C>T on the coding strand, the complement: SLC25A22 is on the minus strand). VCF-style: chr11-792652-G-A. GRCh37 (hg19) VCF-style: chr11-792652-G-A.
Other names: c.488C>T, p.Pro163Leu (NM_001191060.2, NM_001425337.1, NM_001425338.1 and 4 more transcripts); c.563C>T, p.Pro188Leu (NM_001425334.1); c.527C>T, p.Pro176Leu (NM_001425335.1); c.503C>T, p.Pro168Leu (NM_001425336.1); c.485C>T, p.Pro162Leu (NM_001425340.1); c.476C>T, p.Pro159Leu (NM_001425341.1); c.170C>T, p.Pro57Leu (NM_001425344.1); short protein forms P159L, P162L, P163L, P168L, P176L, P188L, P57L.
Identifiers: ClinVar variation 3363808 (VCV003363808.1).

ClinVar aggregate classification (germline): Uncertain significance (1 of 4 stars; one submission).

Submission:

GeneDx
Classification: Uncertain significance. Last evaluated: 2023-11-08. Review status: criteria provided, single submitter. Criteria: GeneDx Variant Classification Process June 2021. Collection method: clinical testing. Allele origin: germline. Affected: yes.
Comment: Not observed at significant frequency in large population cohorts (gnomAD); In silico analysis supports that this missense variant does not alter protein structure/function; Has not been previously published as pathogenic or benign to our knowledge